The following is an entry in ClinVar:

ClinVar aggregate classification (germline): Uncertain significance (1 of 4 stars; one submission).

Submission:

Labcorp Genetics (formerly Invitae), Labcorp
Classification: Uncertain significance. Last evaluated: 2021-08-17. Review status: criteria provided, single submitter. Criteria: Invitae Variant Classification Sherloc (09022015). Collection method: clinical testing. Allele origin: germline.
Comment: This sequence change replaces lysine with glutamic acid at codon 1746 of the TUBGCP6 protein (p.Lys1746Glu). The lysine residue is moderately conserved and there is a small physicochemical difference between lysine and glutamic acid. This variant is not present in population databases (ExAC no frequency). This variant has not been reported in the literature in individuals affected with TUBGCP6-related conditions. Algorithms developed to predict the effect of missense changes on protein structure and function are either unavailable or do not agree on the potential impact of this missense change (SIFT: "Deleterious"; PolyPhen-2: "Probably Damaging"; Align-GVGD: "Class C0"). In summary, the available evidence is currently insufficient to determine the role of this variant in disease. Therefore, it has been classified as a Variant of Uncertain Significance.

NM_020461.4(TUBGCP6):c.5236A>G (p.Lys1746Glu)

Gene: TUBGCP6 (tubulin gamma complex component 6; minus strand). Cytogenetic location: 22q13.33.
Variant type: single nucleotide variant.
Coding change: c.5236A>G on transcript NM_020461.4 (MANE Select); coding-DNA position 5236, A replaced by G.
Protein change: p.Lys1746Glu; replaces lysine 1746 with glutamic acid.
Molecular consequence: missense variant.
Genome position (GRCh38, 1-based): chr22:50,218,050, T>C on the plus strand (A>G on the coding strand, the complement: TUBGCP6 is on the minus strand). VCF-style: chr22-50218050-T-C. GRCh37 (hg19) VCF-style: chr22-50656479-T-C.
Other names: short protein forms K1746E.
Identifiers: ClinVar variation 1374653 (VCV001374653.4), dbSNP rs2147171273, ClinGen allele CA412163098.